The following is an entry in ClinVar:

ClinVar aggregate classification (germline): Uncertain significance (1 of 4 stars; one submission).

Allele frequency attached by ClinVar (database versions not stated): gnomAD exomes 0.00001.
gnomAD v4.1: 9 of 1,610,810 alleles (0.00056%); highest among the groups gnomAD compares: African/African-American, 0.004%; no homozygotes.

Submission:

Labcorp Genetics (formerly Invitae), Labcorp
Classification: Uncertain significance. Last evaluated: 2024-10-24. Review status: criteria provided, single submitter. Criteria: Invitae Variant Classification Sherloc (09022015). Collection method: clinical testing. Allele origin: germline.
Comment: This sequence change replaces alanine, which is neutral and non-polar, with threonine, which is neutral and polar, at codon 240 of the OBSL1 protein (p.Ala240Thr). This variant is present in population databases (no rsID available, gnomAD 0.002%). This variant has not been reported in the literature in individuals affected with OBSL1-related conditions. ClinVar contains an entry for this variant (Variation ID: 1918590). An algorithm developed to predict the effect of missense changes on protein structure and function (PolyPhen-2) suggests that this variant is likely to be tolerated. In summary, the available evidence is currently insufficient to determine the role of this variant in disease. Therefore, it has been classified as a Variant of Uncertain Significance.

NM_015311.3(OBSL1):c.718G>A (p.Ala240Thr)

Gene: OBSL1 (obscurin like cytoskeletal adaptor 1; minus strand). Cytogenetic location: 2q35.
Variant type: single nucleotide variant.
Coding change: c.718G>A on transcript NM_015311.3 (MANE Select); coding-DNA position 718, G replaced by A.
Protein change: p.Ala240Thr; replaces alanine 240 with threonine.
Molecular consequence: missense variant.
Genome position (GRCh38, 1-based): chr2:219,570,515, C>T on the plus strand (G>A on the coding strand, the complement: OBSL1 is on the minus strand). VCF-style: chr2-219570515-C-T. GRCh37 (hg19) VCF-style: chr2-220435237-C-T.
Other names: c.718G>A, p.Ala240Thr (NM_001173408.2, NM_001173431.2); short protein forms A240T.
Identifiers: ClinVar variation 1918590 (VCV001918590.4), dbSNP rs371798131, ClinGen allele CA350764191.
Genomic context (GRCh38, chr2:219,570,515, plus strand): 5'-CCTCGTTCACCCAGAAGGTCTTAGGCGCGCACTTGAGCGGCTCCACCACCGGCGCGGGGG[C>T]CTCGTCGGGGTCCGCGGGCGGGCTCTCGGGGGGCTGGTGCACCTGGAGCAGCGCCCCCGC-3'
Protein context (NP_056126.1, residues 230-250): PESPPADPDE[Ala240Thr]PAPVVEPLKC